The following is an entry in ClinVar:

ClinVar aggregate classification (germline): Likely benign. Review status: criteria provided, multiple submitters, no conflicts (2 of 4 stars). 3 submissions from 3 submitters: Likely benign (3). Last evaluated 2023-05-16.

Conditions:
Cardiomyopathy (CMYO). Also called: Cardiomyopathies. Identifiers: Orphanet 167848, MedGen C0878544, MONDO:0004994, HP:0001638. Inheritance: Various modes of inheritance.

Submissions (3):

All of Us Research Program, National Institutes of Health
Classification: Likely benign for Cardiomyopathy. Last evaluated: 2023-05-16. Review status: criteria provided, single submitter. Criteria: ACMG Guidelines, 2015. Collection method: clinical testing. Allele origin: germline. Inheritance: Autosomal dominant inheritance. Observed: 1 variant allele, 1 heterozygote.
Comment: This study involves interpretation of variants in research participants for the purpose of population health screening. Participant phenotype was not available at the time of variant classification. Additional details can be found in publication PMID: 35346344, PMCID: PMC8962531

Color Diagnostics, LLC DBA Color Health
Classification: Likely benign for Cardiomyopathy. Last evaluated: 2021-09-21. Review status: criteria provided, single submitter. Criteria: ACMG Guidelines, 2015. Collection method: clinical testing. Allele origin: germline.

Laboratory for Molecular Medicine, Mass General Brigham Personalized Medicine
Classification: Likely benign. Last evaluated: 2013-07-18. Review status: criteria provided, single submitter. Criteria: LMM Criteria. Collection method: clinical testing. Allele origin: germline. Observed: 1 variant allele.
Comment: Ala423Ala in exon 14 of MYH7: This variant is not expected to have clinical sign ificance because it does not alter an amino acid residue and is not located with in the splice consensus sequence. Ala423Ala in exon 14 of MYH7 (allele frequenc y = n/a)

NM_000257.4(MYH7):c.1269C>T (p.Ala423=)

Gene: MYH7 (myosin heavy chain 7; minus strand). Cytogenetic location: 14q11.2.
Variant type: single nucleotide variant.
Coding change: c.1269C>T on transcript NM_000257.4 (MANE Select); coding-DNA position 1269, C replaced by T.
Protein change: p.Ala423=; no amino-acid change (alanine 423 retained).
Molecular consequence: synonymous variant.
Genome position (GRCh38, 1-based): chr14:23,429,093, G>A on the plus strand (C>T on the coding strand, the complement: MYH7 is on the minus strand). VCF-style: chr14-23429093-G-A. GRCh37 (hg19) VCF-style: chr14-23898302-G-A.
Identifiers: ClinVar variation 164376 (VCV000164376.7), dbSNP rs727503267, ClinGen allele CA010457.